The following is an entry in ClinVar:

ClinVar aggregate classification (germline): Uncertain significance. Review status: criteria provided, multiple submitters, no conflicts (2 of 4 stars). 4 submissions from 3 submitters: Uncertain significance (4). Last evaluated 2023-02-08.

Conditions:
Familial cutaneous telangiectasia and oropharyngeal predisposition cancer syndrome. Identifiers: Orphanet 313846, MedGen C3281203, MONDO:0013806, OMIM 614564.
Seckel syndrome 1 (SCKL1). Also called: MICROCEPHALIC PRIMORDIAL DWARFISM I. Identifiers: Orphanet 808, MedGen C4551474, MONDO:0008869, OMIM 210600.
Inborn genetic diseases. Identifiers: MedGen C0950123, MeSH D030342.

gnomAD v4.1: 1 of 1,612,418 alleles (0.000062%); no homozygotes.

Submissions (4):

Genome-Nilou Lab
Classification: Uncertain significance for Seckel syndrome 1. Last evaluated: 2023-02-08. Review status: criteria provided, single submitter. Criteria: ACMG Guidelines, 2015. Collection method: clinical testing. Allele origin: germline.

Genome-Nilou Lab
Classification: Uncertain significance for Familial cutaneous telangiectasia and oropharyngeal predisposition cancer syndrome. Last evaluated: 2023-02-08. Review status: criteria provided, single submitter. Criteria: ACMG Guidelines, 2015. Collection method: clinical testing. Allele origin: germline.

Labcorp Genetics (formerly Invitae), Labcorp
Classification: Uncertain significance. Last evaluated: 2022-11-06. Review status: criteria provided, single submitter. Criteria: Invitae Variant Classification Sherloc (09022015). Collection method: clinical testing. Allele origin: germline.
Comment: This variant has not been reported in the literature in individuals affected with ATR-related conditions. This variant is present in population databases (no rsID available, gnomAD no frequency). This sequence change replaces aspartic acid, which is acidic and polar, with tyrosine, which is neutral and polar, at codon 1187 of the ATR protein (p.Asp1187Tyr). In summary, the available evidence is currently insufficient to determine the role of this variant in disease. Therefore, it has been classified as a Variant of Uncertain Significance. Algorithms developed to predict the effect of missense changes on protein structure and function are either unavailable or do not agree on the potential impact of this missense change (SIFT: "Deleterious"; PolyPhen-2: "Probably Damaging"; Align-GVGD: "Class C0"). ClinVar contains an entry for this variant (Variation ID: 1409646).

Ambry Genetics
Classification: Uncertain significance for Inborn genetic diseases. Last evaluated: 2022-01-10. Review status: criteria provided, single submitter. Criteria: Ambry Variant Classification Scheme 2023. Collection method: clinical testing. Allele origin: germline.
Comment: The p.D1187Y variant (also known as c.3559G>T), located in coding exon 18 of the ATR gene, results from a G to T substitution at nucleotide position 3559. The aspartic acid at codon 1187 is replaced by tyrosine, an amino acid with highly dissimilar properties. This amino acid position is conserved. In addition, the in silico prediction for this alteration is inconclusive. Since supporting evidence is limited at this time, the clinical significance of this alteration remains unclear.

NM_001184.4(ATR):c.3559G>T (p.Asp1187Tyr)

Gene: ATR (ATR checkpoint kinase; minus strand). Cytogenetic location: 3q23.
Variant type: single nucleotide variant.
Coding change: c.3559G>T on transcript NM_001184.4 (MANE Select); coding-DNA position 3559, G replaced by T.
Protein change: p.Asp1187Tyr; replaces aspartic acid 1187 with tyrosine.
Molecular consequence: missense variant.
Genome position (GRCh38, 1-based): chr3:142,540,926, C>A on the plus strand (G>T on the coding strand, the complement: ATR is on the minus strand). VCF-style: chr3-142540926-C-A. GRCh37 (hg19) VCF-style: chr3-142259768-C-A.
Other names: c.3367G>T, p.Asp1123Tyr (NM_001354579.2); short protein forms D1123Y, D1187Y.
Identifiers: ClinVar variation 1409646 (VCV001409646.8), dbSNP rs765890919, ClinGen allele CA354807739.